The following is an entry in ClinVar:

ClinVar aggregate classification (germline): Likely pathogenic (1 of 4 stars; one submission).

Conditions:
Finnish congenital nephrotic syndrome (NPHS1). Also called: NEPHROTIC SYNDROME, TYPE 1. Identifiers: Orphanet 839, MedGen C0403399, MONDO:0009732, OMIM 256300.

Submission:

Women's Health and Genetics/Laboratory Corporation of America, LabCorp
Classification: Likely pathogenic for Finnish congenital nephrotic syndrome. Last evaluated: 2024-11-22. Review status: criteria provided, single submitter. Criteria: LabCorp Variant Classification Summary - May 2015. Collection method: clinical testing. Allele origin: germline.
Comment: Variant summary: NPHS1 c.3482-1G>A is located in a canonical splice-site and is predicted to affect mRNA splicing resulting in a significantly altered protein due to either exon skipping, shortening, or inclusion of intronic material. Variants that disrupt the consensus splice site are a relatively common cause of aberrant splicing and loss of NPHS1 function. Several computational tools predict a significant impact on normal splicing: Four predict the variant abolishes a canonical 3' acceptor site. One predicts the variant creates a cryptic 3' acceptor site. However, these predictions have yet to be confirmed by functional studies. The variant was absent in 251470 control chromosomes (gnomAD). c.3482-1G>A has been reported in the literature in individuals affected with Nephrotic Syndrome, Type 1 (Zhuo_2019). To our knowledge, no experimental evidence demonstrating an impact on protein function has been reported. The following publication has been ascertained in the context of this evaluation (PMID: 31216994). No submitters have cited clinical-significance assessments for this variant to ClinVar. Based on the evidence outlined above, the variant was classified as likely pathogenic.

Literature cited by the submitters: PubMed 31216994.

NM_004646.4(NPHS1):c.3482-1G>A

Gene: NPHS1 (NPHS1 adhesion molecule, nephrin; minus strand). Cytogenetic location: 19q13.12.
Variant type: single nucleotide variant.
Coding change: c.3482-1G>A on transcript NM_004646.4 (MANE Select); the canonical splice acceptor site of the intron before coding-DNA position 3482, G replaced by A.
Molecular consequence: splice acceptor variant.
Genome position (GRCh38, 1-based): chr19:35,830,957, C>T on the plus strand (G>A on the coding strand, the complement: NPHS1 is on the minus strand). VCF-style: chr19-35830957-C-T. GRCh37 (hg19) VCF-style: chr19-36321859-C-T.
Identifiers: ClinVar variation 3629923 (VCV003629923.1).